The following is an entry in ClinVar:

ClinVar aggregate classification (germline): Uncertain significance (1 of 4 stars; one submission).

Conditions:
Loeys-Dietz syndrome 2 (LDS2). Also called: TGFBR2-Related Loeys-Dietz Syndrome; Marfan Syndrome type 2; Marfan like connective tissue disorder; MFS 2; AORTIC ANEURYSM, FAMILIAL THORACIC 3; MARFAN SYNDROME, TYPE II. Identifiers: Orphanet 284973, Orphanet 558, MedGen C2674574, MONDO:0012427, OMIM 610168.

gnomAD v4.1: 1 of 1,614,100 alleles (0.000062%); highest among the groups gnomAD compares: African/African-American, 0.0013%; no homozygotes.

Submission:

Labcorp Genetics (formerly Invitae), Labcorp
Classification: Uncertain significance for Loeys-Dietz syndrome 2. Last evaluated: 2024-06-15. Review status: criteria provided, single submitter. Criteria: Invitae Variant Classification Sherloc (09022015). Collection method: clinical testing. Allele origin: germline.
Comment: This sequence change replaces valine, which is neutral and non-polar, with isoleucine, which is neutral and non-polar, at codon 533 of the TMPO protein (p.Val533Ile). This variant is not present in population databases (gnomAD no frequency). This variant has not been reported in the literature in individuals affected with TMPO-related conditions. Advanced modeling of protein sequence and biophysical properties (such as structural, functional, and spatial information, amino acid conservation, physicochemical variation, residue mobility, and thermodynamic stability) performed at Invitae indicates that this missense variant is not expected to disrupt TMPO protein function with a negative predictive value of 80%. In summary, the available evidence is currently insufficient to determine the role of this variant in disease. Therefore, it has been classified as a Variant of Uncertain Significance.

NM_001032283.3(TMPO):c.565+2016G>A

Gene: TMPO (thymopoietin; plus strand). Cytogenetic location: 12q23.1.
Variant type: single nucleotide variant.
Coding change: c.565+2016G>A on transcript NM_001032283.3 (MANE Select); 2016 bases into the intron after coding-DNA position 565, G replaced by A.
Molecular consequence: intron variant. On other transcripts: missense variant (1).
Genome position (GRCh38, 1-based): chr12:98,533,854, G>A. VCF-style: chr12-98533854-G-A. GRCh37 (hg19) VCF-style: chr12-98927632-G-A.
Other names: c.565+2016G>A (NM_001307975.2, NM_001032284.3); c.1597G>A, p.Val533Ile (NM_003276.2); short protein forms V533I.
Identifiers: ClinVar variation 3656709 (VCV003656709.2).